The following is an entry in ClinVar:

NM_182894.3(VSX2):c.1059del (p.Pro354fs)

Gene: VSX2 (visual system homeobox 2; plus strand). Cytogenetic location: 14q24.3.
Variant type: Deletion.
Coding change: c.1059del on transcript NM_182894.3 (MANE Select); coding-DNA position 1059, one base deleted (T; older notation c.1059delT).
Protein change: p.Pro354fs; shifts the reading frame from proline 354.
Molecular consequence: frameshift variant.
Genome position (GRCh38, 1-based): chr14:74,260,892, T deleted. VCF-style (leftmost placement, unchanged base first): chr14-74260891-GT-G. GRCh37 (hg19) VCF-style: chr14-74727594-GT-G.
Other names: short protein forms P354fs.
Identifiers: ClinVar variation 4817006 (VCV004817006.1).
Genomic context (GRCh38, chr14:74,260,891, plus strand): 5'-GTACCGAGAAGCCAGAGGAGGAGGAGGCCATGGATGAAGACAGGCCGGCGGAGAGGCTCA[GT>G]CCACCGCAGCTGGAGGACATGGCTTAGGTCAAGGCGCGCTCAGATGCCGGAGCCCCAAGA-3'

ClinVar aggregate classification (germline): Likely pathogenic (1 of 4 stars; one submission).

Conditions:
Microphthalmia. Also called: Microphthalmos. Identifiers: MedGen C0026010, MONDO:0021129, HP:0000568.

Submission:

Natera, Inc.
Classification: Likely pathogenic for Microphthalmia. Last evaluated: 2025-05-22. Review status: criteria provided, single submitter. Criteria: Natera Variant Classification Schema (03/2026). Collection method: clinical testing. Allele origin: germline.
Comment: The c.1059delT variant in VSX2 is a frameshift variant predicted to elongate the protein beyond the termination codon. This variant is expected to result in nonsense mediated decay, truncation, or a dysfunctional protein product. This variant is rare in the general population with a frequency below the threshold expected for the associated phenotype(s). Given the available evidence, this variant is classified as Likely Pathogenic.